The following is an entry in ClinVar:

ClinVar aggregate classification (germline): Likely benign (0 of 4 stars; one submission).

Conditions:
PDE2A-related disorder. Also called: PDE2A-related condition.

Submission:

PreventionGenetics, part of Exact Sciences
Classification: Likely benign for PDE2A-related condition. Last evaluated: 2024-09-04. Review status: no assertion criteria provided. Collection method: clinical testing. Allele origin: germline.
Comment: This variant is classified as likely benign based on ACMG/AMP sequence variant interpretation guidelines (Richards et al. 2015 PMID: 25741868, with internal and published modifications).

NM_002599.5(PDE2A):c.1812C>A (p.Thr604=)

Gene: PDE2A (phosphodiesterase 2A; minus strand). Cytogenetic location: 11q13.4.
Variant type: single nucleotide variant.
Coding change: c.1812C>A on transcript NM_002599.5 (MANE Select); coding-DNA position 1812, C replaced by A.
Protein change: p.Thr604=; no amino-acid change (threonine 604 retained).
Molecular consequence: synonymous variant.
Genome position (GRCh38, 1-based): chr11:72,582,483, G>T on the plus strand (C>A on the coding strand, the complement: PDE2A is on the minus strand). VCF-style: chr11-72582483-G-T. GRCh37 (hg19) VCF-style: chr11-72293527-G-T.
Other names: c.1791C>A, p.Thr597= (NM_001143839.4); c.1785C>A, p.Thr595= (NM_001146209.3); c.1749C>A, p.Thr583= (NM_001243784.2).
Identifiers: ClinVar variation 3352280 (VCV003352280.1).